The following is an entry in ClinVar:

ClinVar aggregate classification (germline): Pathogenic (0 of 4 stars; one submission).

Conditions:
Autosomal recessive nonsyndromic hearing loss 35. Identifiers: Orphanet 90636, MedGen C1837857, MONDO:0012060, OMIM 608565.

Allele frequency attached by ClinVar (database versions not stated): TOPMed below 0.00001; gnomAD exomes 0.00001.
gnomAD v4.1: 8 of 1,614,164 alleles (0.0005%); highest among the groups gnomAD compares: South Asian, 0.0044%; no homozygotes.

Submission:

Hereditary Research Laboratory, Bethlehem University
Classification: Pathogenic for Autosomal recessive nonsyndromic hearing loss 35. Last evaluated: 2016-06-04. Review status: no assertion criteria provided. Collection method: research. Allele origin: germline. Affected: yes.
Comment: congenital, severe to profound

NM_001379180.1(ESRRB):c.608G>A (p.Arg203His)

Gene: ESRRB (estrogen related receptor beta; plus strand). Cytogenetic location: 14q24.3.
Variant type: single nucleotide variant.
Coding change: c.608G>A on transcript NM_001379180.1 (MANE Select); coding-DNA position 608, G replaced by A.
Protein change: p.Arg203His; replaces arginine 203 with histidine.
Molecular consequence: missense variant.
Genome position (GRCh38, 1-based): chr14:76,482,046, G>A. VCF-style: chr14-76482046-G-A. GRCh37 (hg19) VCF-style: chr14-76948389-G-A.
Other names: c.545G>A, p.Arg182His (NM_004452.4); short protein forms R182H, R203H.
Identifiers: ClinVar variation 402254 (VCV000402254.1), dbSNP rs1060499794, ClinGen allele CA16609579.